The following is an entry in ClinVar:

ClinVar aggregate classification (germline): Uncertain significance (1 of 4 stars; one submission).

Submission:

GeneDx
Classification: Uncertain significance. Last evaluated: 2022-03-09. Review status: criteria provided, single submitter. Criteria: GeneDx Variant Classification Process June 2021. Collection method: clinical testing. Allele origin: germline. Affected: yes.
Comment: Not observed at significant frequency in large population cohorts (gnomAD); In silico analysis supports that this missense variant has a deleterious effect on protein structure/function; Has not been previously published as pathogenic or benign to our knowledge

NM_006922.4(SCN3A):c.5563G>C (p.Ala1855Pro)

Gene: SCN3A (sodium voltage-gated channel alpha subunit 3; minus strand). Cytogenetic location: 2q24.3.
Variant type: single nucleotide variant.
Coding change: c.5563G>C on transcript NM_006922.4 (MANE Select); coding-DNA position 5563, G replaced by C.
Protein change: p.Ala1855Pro; replaces alanine 1855 with proline.
Molecular consequence: missense variant.
Genome position (GRCh38, 1-based): chr2:165,090,590, C>G on the plus strand (G>C on the coding strand, the complement: SCN3A is on the minus strand). VCF-style: chr2-165090590-C-G. GRCh37 (hg19) VCF-style: chr2-165947100-C-G.
Other names: c.5416G>C, p.Ala1806Pro (NM_001081676.2, NM_001081677.2); short protein forms A1806P, A1855P.
Identifiers: ClinVar variation 1704860 (VCV001704860.2), dbSNP rs2468038180, ClinGen allele CA349011311.